The following is an entry in ClinVar:

ClinVar aggregate classification (germline): Pathogenic/Likely pathogenic. Review status: criteria provided, multiple submitters, no conflicts (2 of 4 stars). 5 submissions from 5 submitters: Pathogenic (3); Likely pathogenic (2). Last evaluated 2024-10-01.

Conditions:
Focal segmental glomerulosclerosis (FSGS). Also called: Glomerulosclerosis, focal; Focal sclerosis with hyalinosis. Identifiers: MedGen C0017668, MONDO:0100313, HP:0000097. Disease mechanism: loss of function.
Finnish congenital nephrotic syndrome (NPHS1). Also called: NEPHROTIC SYNDROME, TYPE 1. Identifiers: Orphanet 839, MedGen C0403399, MONDO:0009732, OMIM 256300.

Allele frequency attached by ClinVar (database versions not stated): gnomAD exomes 0.00002; ExAC 0.00002.
gnomAD v4.1: 14 of 1,611,798 alleles (0.00087%); highest among the groups gnomAD compares: South Asian, 0.015%; no homozygotes.

Submissions (5):

Natera, Inc.
Classification: Pathogenic for Finnish congenital nephrotic syndrome. Last evaluated: 2024-10-01. Review status: criteria provided, single submitter. Criteria: Natera Variant Classification Schema (03/2026). Collection method: clinical testing. Allele origin: germline.
Comment: The c.2600G>A variant in NPHS1 is a missense variant predicted to cause substitution of glycine to aspartic acid at amino acid 867. This variant is rare in the general population with a frequency below the threshold expected for the associated phenotype(s). This variant has been observed in one or more individuals affected with the associated recessive disease, as either homozygous or compound heterozygous with a second variant (PMID: 22565185, 24742477, 33980730, 33368894). Computational prediction algorithms indicate this variant is likely to affect gene or protein function. Given the available evidence, this variant is classified as Pathogenic.

Labcorp Genetics (formerly Invitae), Labcorp
Classification: Pathogenic. Last evaluated: 2024-07-01. Review status: criteria provided, single submitter. Criteria: Invitae Variant Classification Sherloc (09022015). Collection method: clinical testing. Allele origin: germline.
Comment: This sequence change replaces glycine, which is neutral and non-polar, with aspartic acid, which is acidic and polar, at codon 867 of the NPHS1 protein (p.Gly867Asp). This variant is present in population databases (rs753656470, gnomAD 0.01%). This missense change has been observed in individuals with nephrotic syndrome (PMID: 22565185, 24742477, 28117080). ClinVar contains an entry for this variant (Variation ID: 1339205). Advanced modeling of protein sequence and biophysical properties (such as structural, functional, and spatial information, amino acid conservation, physicochemical variation, residue mobility, and thermodynamic stability) performed at Invitae indicates that this missense variant is expected to disrupt NPHS1 protein function with a positive predictive value of 80%. For these reasons, this variant has been classified as Pathogenic.

Women's Health and Genetics/Laboratory Corporation of America, LabCorp
Classification: Pathogenic for Finnish congenital nephrotic syndrome. Last evaluated: 2023-03-30. Review status: criteria provided, single submitter. Criteria: LabCorp Variant Classification Summary - May 2015. Collection method: clinical testing. Allele origin: germline.
Comment: Variant summary: NPHS1 c.2600G>A (p.Gly867Asp) results in a non-conservative amino acid change located in the Immunoglobulin subtype 2 domain (IPR003598) of the encoded protein sequence. Five of five in-silico tools predict a damaging effect of the variant on protein function. The variant allele was found at a frequency of 1.6e-05 in 244862 control chromosomes. c.2600G>A has been reported in the literature as biallelic homozygous or compound heterozygous genotypes in multiple individuals affected with Nephrotic Syndrome, Type 1/congenital nephrotic syndrome (CNS) (example, Abid_2012, Lovric_2014, Dufek_2019, Sharief_2019, Joshi_2021). These data indicate that the variant is very likely to be associated with disease. To our knowledge, no experimental evidence demonstrating an impact on protein function has been reported. Two clinical diagnostic laboratories have submitted clinical-significance assessments for this variant to ClinVar after 2014 without evidence for independent evaluation. All laboratories classified the variant as pathogenic/likely pathogenic. Based on the evidence outlined above, the variant was classified as pathogenic.

Genome Diagnostics Laboratory, The Hospital for Sick Children
Classification: Likely pathogenic for Focal segmental glomerulosclerosis. Last evaluated: 2021-12-22. Review status: criteria provided, single submitter. Criteria: ACMG Guidelines, 2015. Collection method: clinical testing. Allele origin: germline.

Neuberg Centre For Genomic Medicine, NCGM
Classification: Likely pathogenic for Finnish congenital nephrotic syndrome. Review status: criteria provided, single submitter. Criteria: ACMG Guidelines, 2015. Collection method: clinical testing. Allele origin: germline. Inheritance: Autosomal recessive inheritance. Affected: yes.
Comment: The missense c.2600G>A (p.Gly867Asp) variant in NPHS1 gene has been reported in homozygous state in individuals affected with Nephrotic syndrome (Joshi A et al. 2021; Lovric S et al. 2014; Abid A et al. 2012). The variant p.Gly867Asp is absent in gnomAD and 1000 Genomes. This variant has been reported to the ClinVar database as Pathogenic / Likely Pathogenic. The amino acid change p.Gly867Asp in NPHS1 is predicted as conserved by GERP++ and PhyloP across 100 vertebrates. The amino acid Gly at position 867 is changed to a Asp changing protein sequence and it might alter its composition and physico-chemical properties. Functional studies are required to prove the pathogenicity for the variant, for these reasons, this variant has been classified as Likely Pathogenic.

Literature cited by the submitters: PubMed 22565185 (cited by 3 submitters); PubMed 24742477 (cited by 3 submitters); PubMed 33980730 (cited by Natera, Inc. and Women's Health and Genetics/Laboratory Corporation of America, LabCorp); PubMed 33368894 (cited by Natera, Inc.); PubMed 28117080 (cited by Labcorp Genetics (formerly Invitae), Labcorp); PubMed 30215773 (cited by Women's Health and Genetics/Laboratory Corporation of America, LabCorp); PubMed 30721404 (cited by Women's Health and Genetics/Laboratory Corporation of America, LabCorp).

NM_004646.4(NPHS1):c.2600G>A (p.Gly867Asp)

Gene: NPHS1 (NPHS1 adhesion molecule, nephrin; minus strand). Cytogenetic location: 19q13.12.
Variant type: single nucleotide variant.
Coding change: c.2600G>A on transcript NM_004646.4 (MANE Select); coding-DNA position 2600, G replaced by A.
Protein change: p.Gly867Asp; replaces glycine 867 with aspartic acid.
Molecular consequence: missense variant.
Genome position (GRCh38, 1-based): chr19:35,842,187, C>T on the plus strand (G>A on the coding strand, the complement: NPHS1 is on the minus strand). VCF-style: chr19-35842187-C-T. GRCh37 (hg19) VCF-style: chr19-36333089-C-T.
Other names: short protein forms G867D.
Identifiers: ClinVar variation 1339205 (VCV001339205.16), dbSNP rs753656470, ClinGen allele CA9390083.